The following is an entry in ClinVar:

ClinVar aggregate classification (germline): Benign/Likely benign. Review status: criteria provided, multiple submitters, no conflicts (2 of 4 stars). 4 submissions from 4 submitters: Benign (2); Likely benign (2). Last evaluated 2026-02-04.

Conditions:
Junctional epidermolysis bullosa. Identifiers: Orphanet 305, MedGen C0079301, MONDO:0017612.

Allele frequency attached by ClinVar (database versions not stated): gnomAD exomes 0.00414 and 0.00482; gnomAD 0.00434 and 0.00445; 1000 Genomes Project 0.00499; 1000 Genomes Project 30x 0.00500; TOPMed 0.00505; ExAC 0.00538; ESP Exome Variant Server 0.00554.
gnomAD v4.1: 6,899 of 1,610,026 alleles (0.43%); highest among the groups gnomAD compares: Middle Eastern, 2.6%; 33 homozygotes.

Submissions (4):

Labcorp Genetics (formerly Invitae), Labcorp
Classification: Benign. Last evaluated: 2026-02-04. Review status: criteria provided, single submitter. Criteria: Invitae Variant Classification Sherloc (09022015). Collection method: clinical testing. Allele origin: germline.

Illumina Laboratory Services, Illumina
Classification: Likely benign for Junctional epidermolysis bullosa. Last evaluated: 2018-01-13. Review status: criteria provided, single submitter. Criteria: ICSL Variant Classification Criteria 13 December 2019. Collection method: clinical testing. Allele origin: germline.
Comment: This variant was observed in the ICSL laboratory as part of a predisposition screen in an ostensibly healthy population. It had not been previously curated by ICSL or reported in the Human Gene Mutation Database (HGMD: prior to June 1st, 2018), and was therefore a candidate for classification through an automated scoring system. Utilizing variant allele frequency, disease prevalence and penetrance estimates, and inheritance mode, an automated score was calculated to assess if this variant is too frequent to cause the disease. Based on the score and internal cut-off values, a variant classified as likely benign is not then subjected to further curation. The score for this variant resulted in a classification of likely benign for this disease.

Eurofins Ntd Llc (ga)
Classification: Benign. Last evaluated: 2016-08-24. Review status: criteria provided, single submitter. Criteria: EGL Classification Definitions 2015. Collection method: clinical testing. Allele origin: germline. Observed: 1 variant allele, 1 heterozygote.

Breakthrough Genomics
Classification: Likely benign. Review status: criteria provided, single submitter. Criteria: ACMG Guidelines, 2015. Collection method: not provided. Allele origin: germline. Inheritance: Autosomal recessive inheritance. Affected: yes.

NM_005562.3(LAMC2):c.2754+9T>C

Gene: LAMC2 (laminin subunit gamma 2; plus strand). Cytogenetic location: 1q25.3.
Variant type: single nucleotide variant.
Coding change: c.2754+9T>C on transcript NM_005562.3 (MANE Select); 9 bases into the intron after coding-DNA position 2754, T replaced by C.
Molecular consequence: intron variant.
Genome position (GRCh38, 1-based): chr1:183,237,513, T>C. VCF-style: chr1-183237513-T-C. GRCh37 (hg19) VCF-style: chr1-183206648-T-C.
Other names: c.2754+9T>C (NM_018891.3).
Identifiers: ClinVar variation 290573 (VCV000290573.20), dbSNP rs113467864, ClinGen allele CA1283038.
Genomic context (GRCh38, chr1:183,237,513, plus strand): 5'-CTGGAAAGAAGAAGCACAGCAGCTCTTACAGAATGGAAAAAGTGGGAGAGAGGTATTCTT[T>C]TGTTAATTCATTCACTCAATAAAGATGTATTGAATGCCCACCATATGAATAAATATGGCA-3'